The following is an entry in ClinVar:

ClinVar aggregate classification (germline): Conflicting classifications of pathogenicity. Review status: criteria provided, conflicting classifications (1 of 4 stars). 3 submissions from 3 submitters: Uncertain significance (2); Likely benign (1). Last evaluated 2026-01-16.

Conditions:
ADGRV1-related disorder. Also called: ADGRV1-related condition; ADGRV1-related disorders.
Usher syndrome type 2C. Also called: Usher syndrome, type 2B; USHER SYNDROME, TYPE IIC. Identifiers: Orphanet 231178, Orphanet 886, MedGen C2931213, MONDO:0011558, OMIM 605472.

Allele frequency attached by ClinVar (database versions not stated): gnomAD exomes 0.00001; ExAC 0.00002; gnomAD 0.00003; TOPMed 0.00006.
gnomAD v4.1: 10 of 1,613,714 alleles (0.00062%); highest among the groups gnomAD compares: African/African-American, 0.013%; no homozygotes.

Submissions (3):

Labcorp Genetics (formerly Invitae), Labcorp
Classification: Likely benign. Last evaluated: 2026-01-16. Review status: criteria provided, single submitter. Criteria: Invitae Variant Classification Sherloc (09022015). Collection method: clinical testing. Allele origin: germline.

PreventionGenetics, part of Exact Sciences
Classification: Uncertain significance for ADGRV1-related condition. Last evaluated: 2024-11-22. Review status: criteria provided, single submitter. Criteria: ACMG Guidelines, 2015. Collection method: clinical testing. Allele origin: germline.
Comment: The ADGRV1 c.3928A>C variant is predicted to result in the amino acid substitution p.Thr1310Pro. To our knowledge, this variant has not been reported in the literature. This variant is present in 0.017% of alleles in individuals of African descent in gnomAD. At this time, the clinical significance of this variant is uncertain due to the absence of conclusive functional and genetic evidence.

Illumina Laboratory Services, Illumina
Classification: Uncertain significance for Usher syndrome type 2C. Last evaluated: 2018-01-12. Review status: criteria provided, single submitter. Criteria: ICSL Variant Classification Criteria 13 December 2019. Collection method: clinical testing. Allele origin: germline.

NM_032119.4(ADGRV1):c.3928A>C (p.Thr1310Pro)

Gene: ADGRV1 (adhesion G protein-coupled receptor V1; plus strand). Cytogenetic location: 5q14.3.
Variant type: single nucleotide variant.
Coding change: c.3928A>C on transcript NM_032119.4 (MANE Select); coding-DNA position 3928, A replaced by C.
Protein change: p.Thr1310Pro; replaces threonine 1310 with proline.
Molecular consequence: missense variant. On other transcripts: non-coding transcript variant (1).
Genome position (GRCh38, 1-based): chr5:90,653,502, A>C. VCF-style: chr5-90653502-A-C. GRCh37 (hg19) VCF-style: chr5-89949319-A-C.
Other names: short protein forms T1310P.
Identifiers: ClinVar variation 838016 (VCV000838016.14), dbSNP rs771051473, ClinGen allele CA3339258.